The following is an entry in ClinVar:

NM_001174089.2(SLC4A11):c.1253C>T (p.Thr418Ile)

Gene: SLC4A11 (solute carrier family 4 member 11; minus strand). Cytogenetic location: 20p13.
Variant type: single nucleotide variant.
Coding change: c.1253C>T on transcript NM_001174089.2 (MANE Select); coding-DNA position 1253, C replaced by T.
Protein change: p.Thr418Ile; replaces threonine 418 with isoleucine.
Molecular consequence: missense variant. On other transcripts: non-coding transcript variant (3), intron variant (2).
Genome position (GRCh38, 1-based): chr20:3,230,761, G>A on the plus strand (C>T on the coding strand, the complement: SLC4A11 is on the minus strand). VCF-style: chr20-3230761-G-A. GRCh37 (hg19) VCF-style: chr20-3211407-G-A.
Other names: c.1382C>T, p.Thr461Ile (NM_001174090.2); c.1196C>T, p.Thr399Ile (NM_001400277.1, NM_001400278.1, NM_001400279.1); c.1301C>T, p.Thr434Ile (NM_032034.4); c.1169-114C>T (NM_001363745.2); c.1298-114C>T (NM_001400280.1); short protein forms T399I, T418I, T434I, T461I.
Identifiers: ClinVar variation 3629617 (VCV003629617.1).

ClinVar aggregate classification (germline): Likely pathogenic (1 of 4 stars; one submission).

Conditions:
Corneal dystrophy-perceptive deafness syndrome (CDPD). Also called: CORNEAL DYSTROPHY AND SENSORINEURAL DEAFNESS; HARBOYAN SYNDROME. Identifiers: Orphanet 1490, MedGen C1857572, MONDO:0009015, OMIM 217400.

Submission:

Women's Health and Genetics/Laboratory Corporation of America, LabCorp
Classification: Likely pathogenic for Corneal dystrophy-perceptive deafness syndrome. Last evaluated: 2024-11-15. Review status: criteria provided, single submitter. Criteria: LabCorp Variant Classification Summary - May 2015. Collection method: clinical testing. Allele origin: germline.
Comment: Variant summary: SLC4A11 c.1301C>T (p.Thr434Ile) results in a non-conservative amino acid change located in the Bicarbonate transporter-like, transmembrane domain (IPR011531) of the encoded protein sequence. Five of five in-silico tools predict a damaging effect of the variant on protein function. The variant was absent in 249492 control chromosomes. c.1301C>T has been reported in the literature in the homozygous state in an individual affected with Fuchs endothelial corneal dystrophy (Soumittra_2014). These data indicate that the variant may be associated with disease. At least two publications report experimental evidence evaluating an impact on protein function (e.g. Soumittra_2014, Alka_2018). The most pronounced variant effect results reduced expression of the mature protein, impaired cell surface localization, and a normalized activity approximately 21% that of the WT protein. The following publications have been ascertained in the context of this evaluation (PMID: 29327391, 25007886). No submitters have cited clinical-significance assessments for this variant to ClinVar. Based on the evidence outlined above, the variant was classified as likely pathogenic.

Literature cited by the submitters: PubMed 29327391; PubMed 25007886.